The following is an entry in ClinVar:

ClinVar aggregate classification (germline): Pathogenic (1 of 4 stars; one submission).

Conditions:
Marfan syndrome (MFS). Also called: FBN1-Related Marfan Syndrome; MARFAN SYNDROME, TYPE I; Marfan syndrome type 1; Marfan's syndrome; Marfan syndrome, classic. Identifiers: Orphanet 284963, Orphanet 558, MedGen C0024796, MONDO:0007947, OMIM 154700.
Familial thoracic aortic aneurysm and aortic dissection (TAAD). Also called: Thoracic aortic aneurysms and dissections. Identifiers: Orphanet 91387, MedGen C4707243, MONDO:0019625.

Submission:

Labcorp Genetics (formerly Invitae), Labcorp
Classification: Pathogenic for Marfan syndrome; Familial thoracic aortic aneurysm and aortic dissection. Last evaluated: 2019-10-11. Review status: criteria provided, single submitter. Criteria: Invitae Variant Classification Sherloc (09022015). Collection method: clinical testing. Allele origin: germline.
Comment: This variant affects a cysteine residue in the EGF-like, TGFBP or hybrid motif domains of FBN1. Cysteine residues are believed to be involved in intramolecular disulfide bridges and have been shown to be important for FBN1 protein structure (PMID: 16905551, 19349279). In addition, missense substitutions affecting cysteine residues within these domains are significantly overrepresented among patients with Marfan syndrome (PMID: 16571647, 17701892). For these reasons, this variant has been classified as Pathogenic. This sequence change replaces cysteine with tyrosine at codon 2245 of the FBN1 protein (p.Cys2245Tyr). The cysteine residue is highly conserved and there is a large physicochemical difference between cysteine and tyrosine. This variant is not present in population databases (ExAC no frequency). This variant has been observed in individuals affected with Marfan syndrome (PMID: 26787436). This variant disrupts the p.Cys2245 amino acid residue in FBN1. Other variant(s) that disrupt this residue have been observed in individuals with FBN1-related conditions (PMID: 28941062), which suggests that this may be a clinically significant amino acid residue.

Literature cited by the submitters: PubMed 16905551; PubMed 19349279; PubMed 16571647; PubMed 17701892; PubMed 26787436; PubMed 28941062.

NM_000138.5(FBN1):c.6734G>A (p.Cys2245Tyr)

Gene: FBN1 (fibrillin 1; minus strand). Cytogenetic location: 15q21.1.
Variant type: single nucleotide variant.
Coding change: c.6734G>A on transcript NM_000138.5 (MANE Select); coding-DNA position 6734, G replaced by A.
Protein change: p.Cys2245Tyr; replaces cysteine 2245 with tyrosine.
Molecular consequence: missense variant.
Genome position (GRCh38, 1-based): chr15:48,432,871, C>T on the plus strand (G>A on the coding strand, the complement: FBN1 is on the minus strand). VCF-style: chr15-48432871-C-T. GRCh37 (hg19) VCF-style: chr15-48725068-C-T.
Other names: short protein forms C2245Y.
Identifiers: ClinVar variation 968455 (VCV000968455.9), dbSNP rs2043034575, ClinGen allele CA392333185.
Genomic context (GRCh38, chr15:48,432,871, plus strand): 5'-CTCCCCTCACAGATAAAGCTTCCTGGCTTAGATGACCTTGAACACGATGACTCACCTTTG[C>T]ACATCCTACGGTCTTCTCTGAGCACATATCCCACGGGACATTTGCATTCATATGACCCAT-3'
Protein context (NP_000129.3, residues 2235-2255): GYVLREDRRM[Cys2245Tyr]KDEDECEEGK